The following is an entry in ClinVar:

ClinVar aggregate classification (germline): Uncertain significance (1 of 4 stars; one submission).

Submission:

Ambry Genetics
Classification: Uncertain significance. Last evaluated: 2024-10-01. Review status: criteria provided, single submitter. Criteria: Ambry Variant Classification Scheme 2023. Collection method: clinical testing. Allele origin: germline.
Comment: The p.A84V variant (also known as c.251C>T), located in coding exon 4 of the FAM175A gene, results from a C to T substitution at nucleotide position 251. The alanine at codon 84 is replaced by valine, an amino acid with similar properties. This amino acid position is conserved. In addition, this alteration is predicted to be tolerated by in silico analysis. Since supporting evidence is limited at this time, the clinical significance of this alteration remains unclear.

NM_139076.3(ABRAXAS1):c.251C>T (p.Ala84Val)

Gene: ABRAXAS1 (abraxas 1, BRCA1 A complex subunit; minus strand). Cytogenetic location: 4q21.23.
Variant type: single nucleotide variant.
Coding change: c.251C>T on transcript NM_139076.3 (MANE Select); coding-DNA position 251, C replaced by T.
Protein change: p.Ala84Val; replaces alanine 84 with valine.
Molecular consequence: missense variant. On other transcripts: intron variant (1).
Genome position (GRCh38, 1-based): chr4:83,472,253, G>A on the plus strand (C>T on the coding strand, the complement: ABRAXAS1 is on the minus strand). VCF-style: chr4-83472253-G-A. GRCh37 (hg19) VCF-style: chr4-84393406-G-A.
Other names: c.-45-1857C>T (NM_001345962.2); short protein forms A84V.
Identifiers: ClinVar variation 1799716 (VCV001799716.3), dbSNP rs2529443156, ClinGen allele CA357261083.